The following is an entry in ClinVar:

NM_017563.5(IL17RD):c.964C>T (p.Arg322Cys)

Gene: IL17RD (interleukin 17 receptor D; minus strand). Cytogenetic location: 3p14.3.
Variant type: single nucleotide variant.
Coding change: c.964C>T on transcript NM_017563.5 (MANE Select); coding-DNA position 964, C replaced by T.
Protein change: p.Arg322Cys; replaces arginine 322 with cysteine.
Molecular consequence: missense variant.
Genome position (GRCh38, 1-based): chr3:57,102,494, G>A on the plus strand (C>T on the coding strand, the complement: IL17RD is on the minus strand). VCF-style: chr3-57102494-G-A. GRCh37 (hg19) VCF-style: chr3-57136522-G-A.
Other names: c.964C>T, p.Arg322Cys (NM_001080973.1); c.532C>T, p.Arg178Cys (NM_001318864.2); short protein forms R178C, R322C.
Identifiers: ClinVar variation 2902543 (VCV002902543.3), dbSNP rs139956045, ClinGen allele CA2462860.

ClinVar aggregate classification (germline): Uncertain significance (1 of 4 stars; one submission).

Allele frequency attached by ClinVar (database versions not stated): gnomAD exomes 0.00002; gnomAD 0.00003; TOPMed 0.00004; ExAC 0.00008; ESP Exome Variant Server 0.00008.
gnomAD v4.1: 38 of 1,554,702 alleles (0.0024%); highest among the groups gnomAD compares: South Asian, 0.0094%; no homozygotes.

Submission:

Labcorp Genetics (formerly Invitae), Labcorp
Classification: Uncertain significance. Last evaluated: 2024-01-29. Review status: criteria provided, single submitter. Criteria: Invitae Variant Classification Sherloc (09022015). Collection method: clinical testing. Allele origin: germline.
Comment: This sequence change replaces arginine, which is basic and polar, with cysteine, which is neutral and slightly polar, at codon 322 of the IL17RD protein (p.Arg322Cys). This variant is present in population databases (rs139956045, gnomAD 0.01%). This variant has not been reported in the literature in individuals affected with IL17RD-related conditions. Advanced modeling of protein sequence and biophysical properties (such as structural, functional, and spatial information, amino acid conservation, physicochemical variation, residue mobility, and thermodynamic stability) performed at Invitae indicates that this missense variant is not expected to disrupt IL17RD protein function with a negative predictive value of 80%. In summary, the available evidence is currently insufficient to determine the role of this variant in disease. Therefore, it has been classified as a Variant of Uncertain Significance.